The following is an entry in ClinVar:

ClinVar aggregate classification (germline): Uncertain significance. Review status: criteria provided, multiple submitters, no conflicts (2 of 4 stars). 2 submissions from 2 submitters: Uncertain significance (2). Last evaluated 2025-08-22.

Conditions:
Inborn genetic diseases. Identifiers: MedGen C0950123, MeSH D030342.

Allele frequency attached by ClinVar (database versions not stated): gnomAD 0.00001; gnomAD exomes 0.00001 and 0.00003; TOPMed 0.00002; ExAC 0.00003.
gnomAD v4.1: 13 of 1,569,976 alleles (0.00083%); highest among the groups gnomAD compares: Admixed American, 0.014%; no homozygotes.

Submissions (2):

Ambry Genetics
Classification: Uncertain significance for Inborn genetic diseases. Last evaluated: 2025-08-22. Review status: criteria provided, single submitter. Criteria: Ambry Variant Classification Scheme 2023. Collection method: clinical testing. Allele origin: germline.

Labcorp Genetics (formerly Invitae), Labcorp
Classification: Uncertain significance. Last evaluated: 2022-11-08. Review status: criteria provided, single submitter. Criteria: Invitae Variant Classification Sherloc (09022015). Collection method: clinical testing. Allele origin: germline.
Comment: ClinVar contains an entry for this variant (Variation ID: 1418407). In summary, the available evidence is currently insufficient to determine the role of this variant in disease. Therefore, it has been classified as a Variant of Uncertain Significance. Advanced modeling of protein sequence and biophysical properties (such as structural, functional, and spatial information, amino acid conservation, physicochemical variation, residue mobility, and thermodynamic stability) performed at Invitae indicates that this missense variant is not expected to disrupt PYROXD1 protein function. This variant has not been reported in the literature in individuals affected with PYROXD1-related conditions. This variant is present in population databases (rs758238573, gnomAD 0.03%). This sequence change replaces lysine, which is basic and polar, with arginine, which is basic and polar, at codon 264 of the PYROXD1 protein (p.Lys264Arg).

NM_024854.5(PYROXD1):c.791A>G (p.Lys264Arg)

Gene: PYROXD1 (pyridine nucleotide-disulphide oxidoreductase domain 1; plus strand). Cytogenetic location: 12p12.1.
Variant type: single nucleotide variant.
Coding change: c.791A>G on transcript NM_024854.5 (MANE Select); coding-DNA position 791, A replaced by G.
Protein change: p.Lys264Arg; replaces lysine 264 with arginine.
Molecular consequence: missense variant.
Genome position (GRCh38, 1-based): chr12:21,461,065, A>G. VCF-style: chr12-21461065-A-G. GRCh37 (hg19) VCF-style: chr12-21613999-A-G.
Other names: c.791A>G (NM_024854.3); c.578A>G, p.Lys193Arg (NM_001350912.2); c.14A>G, p.Lys5Arg (NM_001350913.2); short protein forms K5R, K193R, K264R.
Identifiers: ClinVar variation 1418407 (VCV001418407.7), dbSNP rs758238573, ClinGen allele CA6478336.